The following is an entry in ClinVar:

NM_001291303.3(FAT4):c.2416G>A (p.Val806Met)

Gene: FAT4 (FAT atypical cadherin 4; plus strand). Cytogenetic location: 4q28.1.
Variant type: single nucleotide variant.
Coding change: c.2416G>A on transcript NM_001291303.3 (MANE Select); coding-DNA position 2416, G replaced by A.
Protein change: p.Val806Met; replaces valine 806 with methionine.
Molecular consequence: missense variant.
Genome position (GRCh38, 1-based): chr4:125,318,827, G>A. VCF-style: chr4-125318827-G-A. GRCh37 (hg19) VCF-style: chr4-126239982-G-A.
Other names: c.2416G>A, p.Val806Met (NM_001291285.3, NM_024582.6); c.2416G>A (NM_024582.5); short protein forms V806M.
Identifiers: ClinVar variation 2044796 (VCV002044796.3), dbSNP rs139395908, ClinGen allele CA3072164.

ClinVar aggregate classification (germline): Uncertain significance. Review status: criteria provided, multiple submitters, no conflicts (2 of 4 stars). 2 submissions from 2 submitters: Uncertain significance (2). Last evaluated 2024-03-18.

Conditions:
Van Maldergem syndrome 2 (VMLDS2). Identifiers: Orphanet 314679, MedGen C3809875, MONDO:0014242, OMIM 615546.
Hennekam lymphangiectasia-lymphedema syndrome 2 (HKLLS2). Identifiers: Orphanet 2136, MedGen C4014939, MONDO:0014454, OMIM 616006.

Allele frequency attached by ClinVar (database versions not stated): TOPMed below 0.00001; ExAC 0.00001; gnomAD 0.00001; gnomAD exomes 0.00004; 1000 Genomes Project 30x 0.00016; 1000 Genomes Project 0.00020.
gnomAD v4.1: 56 of 1,614,150 alleles (0.0035%); highest among the groups gnomAD compares: East Asian, 0.013%; no homozygotes.

Submissions (2):

Fulgent Genetics
Classification: Uncertain significance for Van Maldergem syndrome 2; Hennekam lymphangiectasia-lymphedema syndrome 2. Last evaluated: 2024-03-18. Review status: criteria provided, single submitter. Criteria: ACMG Guidelines, 2015. Collection method: clinical testing. Allele origin: germline.

Labcorp Genetics (formerly Invitae), Labcorp
Classification: Uncertain significance. Last evaluated: 2024-02-24. Review status: criteria provided, single submitter. Criteria: Invitae Variant Classification Sherloc (09022015). Collection method: clinical testing. Allele origin: germline.
Comment: This sequence change replaces valine, which is neutral and non-polar, with methionine, which is neutral and non-polar, at codon 806 of the FAT4 protein (p.Val806Met). This variant is present in population databases (rs139395908, gnomAD 0.003%). This variant has not been reported in the literature in individuals affected with FAT4-related conditions. ClinVar contains an entry for this variant (Variation ID: 2044796). Advanced modeling of protein sequence and biophysical properties (such as structural, functional, and spatial information, amino acid conservation, physicochemical variation, residue mobility, and thermodynamic stability) has been performed at Invitae for this missense variant, however the output from this modeling did not meet the statistical confidence thresholds required to predict the impact of this variant on FAT4 protein function. In summary, the available evidence is currently insufficient to determine the role of this variant in disease. Therefore, it has been classified as a Variant of Uncertain Significance.